The following is an entry in ClinVar:

ClinVar aggregate classification (germline): Likely benign (1 of 4 stars; one submission).

Conditions:
Catecholaminergic polymorphic ventricular tachycardia (CVPT). Also called: Catecholamine-induced polymorphic ventricular tachycardia. Identifiers: Orphanet 3286, MedGen C5574922, MONDO:0017990.

Allele frequency attached by ClinVar (database versions not stated): TOPMed below 0.00001; gnomAD 0.00001; gnomAD exomes 0.00001; ExAC 0.00002.
gnomAD v4.1: 10 of 1,613,906 alleles (0.00062%); highest among the groups gnomAD compares: Non-Finnish European, 0.00085%; no homozygotes.

Submission:

All of Us Research Program, National Institutes of Health
Classification: Likely benign for Catecholaminergic polymorphic ventricular tachycardia. Last evaluated: 2023-04-28. Review status: criteria provided, single submitter. Criteria: ACMG Guidelines, 2015. Collection method: clinical testing. Allele origin: germline. Inheritance: Autosomal dominant inheritance. Observed: 1 variant allele, 1 heterozygote.
Comment: This study involves interpretation of variants in research participants for the purpose of population health screening. Participant phenotype was not available at the time of variant classification. Additional details can be found in publication PMID: 35346344, PMCID: PMC8962531

NM_001035.3(RYR2):c.5148T>A (p.Thr1716=)

Gene: RYR2 (ryanodine receptor 2; plus strand). Cytogenetic location: 1q43.
Variant type: single nucleotide variant.
Coding change: c.5148T>A on transcript NM_001035.3 (MANE Select); coding-DNA position 5148, T replaced by A.
Protein change: p.Thr1716=; no amino-acid change (threonine 1716 retained).
Molecular consequence: synonymous variant.
Genome position (GRCh38, 1-based): chr1:237,614,276, T>A. VCF-style: chr1-237614276-T-A. GRCh37 (hg19) VCF-style: chr1-237777576-T-A.
Identifiers: ClinVar variation 3070543 (VCV003070543.1), dbSNP rs199988609, ClinGen allele CA086837.